The following is an entry in ClinVar:

ClinVar aggregate classification (germline): Uncertain significance. Review status: criteria provided, multiple submitters, no conflicts (2 of 4 stars). 2 submissions from 2 submitters: Uncertain significance (2). Last evaluated 2023-03-11.

Allele frequency attached by ClinVar (database versions not stated): gnomAD exomes below 0.00001; TOPMed below 0.00001; ExAC 0.00001; gnomAD 0.00001; 1000 Genomes Project 30x 0.00016; 1000 Genomes Project 0.00020.
gnomAD v4.1: 5 of 1,612,950 alleles (0.00031%); highest among the groups gnomAD compares: African/African-American, 0.0013%; no homozygotes.

Submissions (2):

Labcorp Genetics (formerly Invitae), Labcorp
Classification: Uncertain significance. Last evaluated: 2023-03-11. Review status: criteria provided, single submitter. Criteria: Invitae Variant Classification Sherloc (09022015). Collection method: clinical testing. Allele origin: germline.
Comment: Experimental studies and prediction algorithms are not available or were not evaluated, and the functional significance of this variant is currently unknown. This variant has not been reported in the literature in individuals affected with SON-related conditions. In summary, the available evidence is currently insufficient to determine the role of this variant in disease. Therefore, it has been classified as a Variant of Uncertain Significance. This variant is present in population databases (rs555194701, gnomAD 0.007%). This sequence change replaces arginine, which is basic and polar, with histidine, which is basic and polar, at codon 1936 of the SON protein (p.Arg1936His).

Breakthrough Genomics
Classification: Uncertain significance. Review status: criteria provided, single submitter. Criteria: ACMG Guidelines, 2015. Collection method: not provided. Allele origin: germline. Inheritance: Autosomal dominant inheritance. Affected: yes.

NM_138927.4(SON):c.5807G>A (p.Arg1936His)

Gene: SON (SON DNA and RNA binding protein; plus strand). Cytogenetic location: 21q22.11.
Variant type: single nucleotide variant.
Coding change: c.5807G>A on transcript NM_138927.4 (MANE Select); coding-DNA position 5807, G replaced by A.
Protein change: p.Arg1936His; replaces arginine 1936 with histidine.
Molecular consequence: missense variant. On other transcripts: non-coding transcript variant (1), intron variant (1).
Genome position (GRCh38, 1-based): chr21:33,555,038, G>A. VCF-style: chr21-33555038-G-A. GRCh37 (hg19) VCF-style: chr21-34927344-G-A.
Other names: c.5807G>A, p.Arg1936His (NM_001291411.2, NM_001412133.1, NM_032195.3 and 2 more transcripts); c.245-2118G>A (NM_001291412.3); short protein forms R1936H.
Identifiers: ClinVar variation 2873174 (VCV002873174.4), dbSNP rs555194701, ClinGen allele CA10009807.
Genomic context (GRCh38, chr21:33,555,038, plus strand): 5'-AGACAGTTAGAGCTCGAAGTCGAACCCCAAGTCGTCGGAGTCGGAGTCATACTCCAAGTC[G>A]TCGACGAAGGTCTAGATCTGTGGGTAGAAGAAGGAGCTTTAGCATTTCCCCAAGCCGCCG-3'
Protein context (NP_620305.3, residues 1926-1946): SRRSRSHTPS[Arg1936His]RRRSRSVGRR